The following is an entry in ClinVar:

NM_001177701.3(IFT27):c.157G>A (p.Asp53Asn)

Gene: IFT27 (intraflagellar transport 27; minus strand). Cytogenetic location: 22q12.3.
Variant type: single nucleotide variant.
Coding change: c.157G>A on transcript NM_001177701.3 (MANE Select); coding-DNA position 157, G replaced by A.
Protein change: p.Asp53Asn; replaces aspartic acid 53 with asparagine.
Molecular consequence: missense variant.
Genome position (GRCh38, 1-based): chr22:36,767,323, C>T on the plus strand (G>A on the coding strand, the complement: IFT27 is on the minus strand). VCF-style: chr22-36767323-C-T. GRCh37 (hg19) VCF-style: chr22-37163367-C-T.
Other names: c.157G>A (NM_001177701.1); c.157G>A, p.Asp53Asn (NM_001363003.2); c.154G>A, p.Asp52Asn (NM_006860.5); short protein forms D53N, D52N.
Identifiers: ClinVar variation 862719 (VCV000862719.10), dbSNP rs142815512, ClinGen allele CA10212505.

ClinVar aggregate classification (germline): Conflicting classifications of pathogenicity. Review status: criteria provided, conflicting classifications (1 of 4 stars). 4 submissions from 4 submitters: Uncertain significance (1); Likely benign (3). Last evaluated 2025-10-09.

Conditions:
Inborn genetic diseases. Identifiers: MedGen C0950123, MeSH D030342.
IFT27-related disorder. Also called: IFT27-related condition.

Allele frequency attached by ClinVar (database versions not stated): gnomAD exomes 0.00006 and 0.00015; ESP Exome Variant Server 0.00038; gnomAD 0.00051 and 0.00058; TOPMed 0.00057.
gnomAD v4.1: 173 of 1,613,754 alleles (0.011%); highest among the groups gnomAD compares: African/African-American, 0.19%; 2 homozygotes.

Submissions (4):

PreventionGenetics, part of Exact Sciences
Classification: Likely benign for IFT27-related condition. Last evaluated: 2025-10-09. Review status: criteria provided, single submitter. Criteria: ACMG Guidelines, 2015. Collection method: clinical testing. Allele origin: germline.
Comment: This variant is classified as likely benign based on ACMG/AMP sequence variant interpretation guidelines (Richards et al. 2015 PMID: 25741868, with internal and published modifications).

Blueprint Genetics
Classification: Likely benign. Last evaluated: 2024-07-15. Review status: criteria provided, single submitter. Criteria: ACMG Guidelines, 2015. Collection method: clinical testing. Allele origin: germline.

Labcorp Genetics (formerly Invitae), Labcorp
Classification: Uncertain significance. Last evaluated: 2023-11-27. Review status: criteria provided, single submitter. Criteria: Invitae Variant Classification Sherloc (09022015). Collection method: clinical testing. Allele origin: germline.
Comment: This sequence change replaces aspartic acid, which is acidic and polar, with asparagine, which is neutral and polar, at codon 52 of the IFT27 protein (p.Asp52Asn). This variant is present in population databases (rs142815512, gnomAD 0.2%). This variant has not been reported in the literature in individuals affected with IFT27-related conditions. ClinVar contains an entry for this variant (Variation ID: 862719). Advanced modeling of protein sequence and biophysical properties (such as structural, functional, and spatial information, amino acid conservation, physicochemical variation, residue mobility, and thermodynamic stability) performed at Invitae indicates that this missense variant is expected to disrupt IFT27 protein function with a positive predictive value of 95%. In summary, the available evidence is currently insufficient to determine the role of this variant in disease. Therefore, it has been classified as a Variant of Uncertain Significance.

Ambry Genetics
Classification: Likely benign for Inborn genetic diseases. Last evaluated: 2022-04-14. Review status: criteria provided, single submitter. Criteria: Ambry Variant Classification Scheme 2023. Collection method: clinical testing. Allele origin: germline.